The following is an entry in ClinVar:

ClinVar aggregate classification (germline): Uncertain significance (1 of 4 stars; one submission).

Conditions:
Cardiovascular phenotype. Identifiers: MedGen CN230736.

Allele frequency attached by ClinVar (database versions not stated): gnomAD exomes below 0.00001.
gnomAD v4.1: 1 of 1,543,222 alleles (0.000065%); highest among the groups gnomAD compares: Non-Finnish European, 0.000088%; no homozygotes.

Submission:

Ambry Genetics
Classification: Uncertain significance for Cardiovascular phenotype. Last evaluated: 2024-01-01. Review status: criteria provided, single submitter. Criteria: Ambry Variant Classification Scheme 2023. Collection method: clinical testing. Allele origin: germline.
Comment: The p.G629D variant (also known as c.1886G>A), located in coding exon 9 of the RBM20 gene, results from a G to A substitution at nucleotide position 1886. The glycine at codon 629 is replaced by aspartic acid, an amino acid with similar properties. This amino acid position is conserved. In addition, the in silico prediction for this alteration is inconclusive. Since supporting evidence is limited at this time, the clinical significance of this alteration remains unclear.

NM_001134363.3(RBM20):c.1886G>A (p.Gly629Asp)

Gene: RBM20 (RNA binding motif protein 20; plus strand). Cytogenetic location: 10q25.2.
Variant type: single nucleotide variant.
Coding change: c.1886G>A on transcript NM_001134363.3 (MANE Select); coding-DNA position 1886, G replaced by A.
Protein change: p.Gly629Asp; replaces glycine 629 with aspartic acid.
Molecular consequence: missense variant.
Genome position (GRCh38, 1-based): chr10:110,812,283, G>A. VCF-style: chr10-110812283-G-A. GRCh37 (hg19) VCF-style: chr10-112572041-G-A.
Other names: short protein forms G629D.
Identifiers: ClinVar variation 3233201 (VCV003233201.1), dbSNP rs1844777305, ClinGen allele CA378370235.
Genomic context (GRCh38, chr10:110,812,283, plus strand): 5'-GGGGTGGGATGGGAGGTGTGAAGATTCTAAATCCTGCTCCTTGGCTCCCTCACAGATATG[G>A]CCCAGAAAGGCCGCGGTCTCGTAGTCCGGTGAGCCGGTCACTCTCCCCGAGGTCCCACAC-3'
Protein context (NP_001127835.2, residues 619-639): RDMFREADRY[Gly629Asp]PERPRSRSPV